The following is an entry in ClinVar:

NM_212550.5(BLOC1S3):c.491G>A (p.Arg164His)

Gene: BLOC1S3 (biogenesis of lysosomal organelles complex 1 subunit 3; plus strand). Cytogenetic location: 19q13.32.
Variant type: single nucleotide variant.
Coding change: c.491G>A on transcript NM_212550.5 (MANE Select); coding-DNA position 491, G replaced by A.
Protein change: p.Arg164His; replaces arginine 164 with histidine.
Molecular consequence: missense variant.
Genome position (GRCh38, 1-based): chr19:45,179,787, G>A. VCF-style: chr19-45179787-G-A. GRCh37 (hg19) VCF-style: chr19-45683045-G-A.
Other names: short protein forms R164H.
Identifiers: ClinVar variation 434515 (VCV000434515.20), dbSNP rs200567085, ClinGen allele CA9510265.
Genomic context (GRCh38, chr19:45,179,787, plus strand): 5'-GTAGGCTGGCGGCAGCCCAGGCGGCGGGGCTGGCGGCGGCCCACAGCGTGCGCCTGGCGC[G>A]CGGGGACCTTTGTGCGCTGGCCGAGCGTCTGGACATCGTGGCTGGCTGCCGCCTGCTGCC-3'
Protein context (NP_997715.1, residues 154-174): LAAAHSVRLA[Arg164His]GDLCALAERL

ClinVar aggregate classification (germline): Benign/Likely benign. Review status: criteria provided, multiple submitters, no conflicts (2 of 4 stars). 6 submissions from 6 submitters: Benign (1); Likely benign (4). 1 of the submissions does not count toward it. Last evaluated 2026-01-20.

Conditions:
BLOC1S3-related disorder. Also called: BLOC1S3-related condition.

Allele frequency attached by ClinVar (database versions not stated): gnomAD exomes 0.00009 and 0.00020; ExAC 0.00059; 1000 Genomes Project 0.00080; 1000 Genomes Project 30x 0.00094; gnomAD 0.00122 and 0.00134; TOPMed 0.00125.
gnomAD v4.1: 321 of 1,578,042 alleles (0.02%); highest among the groups gnomAD compares: African/African-American, 0.4%; 2 homozygotes.

Submissions (6):

Labcorp Genetics (formerly Invitae), Labcorp
Classification: Benign. Last evaluated: 2026-01-20. Review status: criteria provided, single submitter. Criteria: Invitae Variant Classification Sherloc (09022015). Collection method: clinical testing. Allele origin: germline.

Women's Health and Genetics/Laboratory Corporation of America, LabCorp
Classification: Likely benign. Last evaluated: 2025-04-02. Review status: criteria provided, single submitter. Criteria: LabCorp Variant Classification Summary - May 2015. Collection method: clinical testing. Allele origin: germline.
Comment: Variant summary: BLOC1S3 c.491G>A (p.Arg164His) results in a non-conservative amino acid change in the encoded protein sequence. Three of five in-silico tools predict a benign effect of the variant on protein function. The variant allele was found at a frequency of 0.0002 in 188262 control chromosomes in the gnomAD database, including 1 homozygotes. The observed variant frequency is approximately 1.28 fold of the estimated maximal expected allele frequency for a pathogenic variant in BLOC1S3 causing Hermansky-Pudlak Syndrome phenotype (0.00016). To our knowledge, no occurrence of c.491G>A in individuals affected with Hermansky-Pudlak Syndrome and no experimental evidence demonstrating its impact on protein function have been reported. ClinVar contains an entry for this variant (Variation ID: 434515). Based on the evidence outlined above, the variant was classified as likely benign.

Blueprint Genetics
Classification: Likely benign. Last evaluated: 2024-10-18. Review status: criteria provided, single submitter. Criteria: ACMG Guidelines, 2015. Collection method: clinical testing. Allele origin: germline.

Genetic Services Laboratory, University of Chicago
Classification: Likely benign. Last evaluated: 2016-02-05. Review status: criteria provided, single submitter. Criteria: ACMG Guidelines, 2015. Collection method: clinical testing. Allele origin: germline. Affected: no.

Breakthrough Genomics
Classification: Likely benign. Review status: criteria provided, single submitter. Criteria: ACMG Guidelines, 2015. Collection method: not provided. Allele origin: germline. Inheritance: Autosomal recessive inheritance. Affected: yes.

PreventionGenetics, part of Exact Sciences
Classification: Likely benign for BLOC1S3-related condition. Last evaluated: 2021-02-09. Review status: no assertion criteria provided. Collection method: clinical testing. Allele origin: germline. Not counted in ClinVar's aggregate classification.
Comment: This variant is classified as likely benign based on ACMG/AMP sequence variant interpretation guidelines (Richards et al. 2015 PMID: 25741868, with internal and published modifications).